The following is an entry in ClinVar:

ClinVar aggregate classification (germline): Pathogenic/Likely pathogenic. Review status: criteria provided, multiple submitters, no conflicts (2 of 4 stars). 20 submissions from 20 submitters: Pathogenic (15); Likely pathogenic (2). 3 of the submissions do not count toward it. Last evaluated 2026-05-07.

Conditions:
BRIP1-related disorder. Also called: BRIP1-related condition; BRIP1-related disorders. Identifiers: MedGen CN239206.
Inherited ovarian cancer (without breast cancer).
Breast and/or ovarian cancer. Identifiers: MedGen CN221562.
Hereditary cancer-predisposing syndrome. Also called: Tumor predisposition; Hereditary neoplastic syndrome; Hereditary Cancer Syndrome; Neoplastic Syndromes, Hereditary. Identifiers: Orphanet 140162, MedGen C0027672, MeSH D009386, MONDO:0015356.
Familial cancer of breast. Also called: Hereditary breast cancer; hereditary breast carcinoma; BREAST CANCER, FAMILIAL. Identifiers: Orphanet 227535, MedGen C0346153, MONDO:0016419, OMIM 114480. Disease mechanism: loss of function.
Fanconi anemia complementation group J. Also called: BRIP1-Related Fanconi Anemia. Identifiers: Orphanet 84, MedGen C1836860, MONDO:0012187, OMIM 609054.
Ovarian cancer. Also called: OVARIAN CANCER, SOMATIC. Identifiers: Orphanet 213500, MedGen C1140680, MONDO:0008170, OMIM 167000.
Hereditary breast ovarian cancer syndrome. Also called: Hereditary breast and/or ovarian cancer syndrome; Breast and ovarian cancer; Hereditary breast and ovarian cancer syndrome; Hereditary breast and ovarian cancer; Hereditary breast and ovarian cancer syndrome (HBOC); BRCA1- and BRCA2-Associated Hereditary Breast and Ovarian Cancer. Identifiers: Orphanet 145, MedGen C0677776, MeSH D061325, MONDO:0003582. Disease mechanism: loss of function.
Breast-ovarian cancer, familial, susceptibility to, 1 (BROVCA1). Also called: BRCA1 Hereditary Breast and Ovarian Cancer; OVARIAN CANCER, SUSCEPTIBILITY TO. Identifiers: Orphanet 145, MedGen C2676676, MONDO:0011450, OMIM 604370. Disease mechanism: loss of function.

gnomAD v4.1: 41 of 1,601,590 alleles (0.0026%); highest among the groups gnomAD compares: Non-Finnish European, 0.0035%; no homozygotes.

Submissions 1 to 13 of 20:

Cambridge Genomics Laboratory, East Genomic Laboratory Hub, NHS Genomic Medicine Service
Classification: Pathogenic for Inherited ovarian cancer (without breast cancer). Last evaluated: 2026-05-07. Review status: criteria provided, single submitter. Criteria: ACGS Best Practice Guidelines for Variant Classification in Rare Disease 2020. Collection method: clinical testing. Allele origin: germline. Affected: yes.
Comment: PVS1,PM3,PM5_Supporting

Labcorp Genetics (formerly Invitae), Labcorp
Classification: Pathogenic for Familial cancer of breast; Fanconi anemia complementation group J. Last evaluated: 2026-01-31. Review status: criteria provided, single submitter. Criteria: Invitae Variant Classification Sherloc (09022015). Collection method: clinical testing. Allele origin: germline.
Comment: This sequence change creates a premature translational stop signal (p.Tyr800*) in the BRIP1 gene. It is expected to result in an absent or disrupted protein product. Loss-of-function variants in BRIP1 are known to be pathogenic (PMID: 16116423, 17033622, 21964575). This variant is present in population databases (rs574552037, gnomAD 0.005%). This premature translational stop signal has been observed in individual(s) with ovarian cancer and Fanconi anemia type J (PMID: 16116424, 26315354). In at least one individual the data is consistent with being in trans (on the opposite chromosome) from a pathogenic variant. This variant is also known as 2541C>G. ClinVar contains an entry for this variant (Variation ID: 142343). For these reasons, this variant has been classified as Pathogenic.

PreventionGenetics, part of Exact Sciences
Classification: Pathogenic for BRIP1-related condition. Last evaluated: 2026-01-02. Review status: criteria provided, single submitter. Criteria: ACMG Guidelines, 2015. Collection method: clinical testing. Allele origin: germline.
Comment: The BRIP1 c.2400C>G variant is predicted to result in premature protein termination (p.Tyr800*). This variant is alternatively referred to as 2541C>G in the literature. It has been reported in individuals with ovarian cancer (OC) (Suszynska et al. 2020. PubMed ID: 32359370) and in an individual with colon polyps (Table S1, Susswein et al. 2015. PubMed ID: 26681312). Segregation with OC has also been reported in at least one family (Table S3, Ramus et al. 2015. PubMed ID: 26315354). This variant has also been reported in the compound heterozygous state in an individual with Fanconi anemia (Levran et al. 2005. PubMed ID: 16116424). This variant is reported in 0.0053% of alleles in individuals of European (non-Finnish) descent in gnomAD. It is consistently interpreted as pathogenic/likely pathogenic in ClinVar (Variation ID: 142343). Nonsense variants in BRIP1 are expected to be pathogenic. This variant is interpreted as pathogenic.

Center for Genomic Medicine, Rigshospitalet, Copenhagen University Hospital
Classification: Pathogenic. Last evaluated: 2025-12-29. Review status: criteria provided, single submitter. Criteria: ACMG Guidelines, 2015. Collection method: clinical testing. Allele origin: germline.

Color Diagnostics, LLC DBA Color Health
Classification: Pathogenic for Hereditary cancer-predisposing syndrome. Last evaluated: 2025-12-08. Review status: criteria provided, single submitter. Criteria: ACMG Guidelines, 2015. Collection method: clinical testing. Allele origin: germline.
Comment: This variant changes 1 nucleotide in exon 17 of the BRIP1 gene, creating a premature translation stop signal. This variant is expected to result in an absent or non-functional protein product. This variant has been reported in over 10 individuals affected with breast and ovarian cancer (PMID: 26315354, 29368626, 29958926, 32359370) and peritoneal cancer (PMID: 26720728) and in one individual age 70 years or older without cancer in the FLOSSIES database. This variant has been detected in a breast cancer case-control meta-analysis in 7/60466 cases and 3/53461 unaffected individuals (PMID: 33471991Leiden Open Variation Database DB-ID BRIP1_000008). This variant has also been reported in the compound heterozygous state with a second BRIP1 mutation in an individual affected with Fanconi anemia (PMID: 16116424). This variant has been identified in 41/1601590 chromosomes in the general population by the Genome Aggregation Database (gnomAD). Loss of BRIP1 function is a known mechanism of disease. Based on the available evidence, this variant is classified as Pathogenic.

Institute of Immunology and Genetics Kaiserslautern
Classification: Pathogenic for Breast-ovarian cancer, familial, susceptibility to, 1. Last evaluated: 2025-07-30. Review status: criteria provided, single submitter. Criteria: ACMG Guidelines, 2015. Collection method: clinical testing. Allele origin: germline. Affected: no.
Comment: ACMG Criteria: PVS1, PM2, PP3, PP5.

Ambry Genetics
Classification: Pathogenic for Hereditary cancer-predisposing syndrome. Last evaluated: 2025-02-12. Review status: criteria provided, single submitter. Criteria: Ambry Variant Classification Scheme 2023. Collection method: clinical testing. Allele origin: germline.
Comment: The p.Y800* pathogenic mutation (also known as c.2400C>G), located in coding exon 16 of the BRIP1 gene, results from a C to G substitution at nucleotide position 2400. This changes the amino acid from a tyrosine to a stop codon within coding exon 16. This mutation was reported in conjunction with a second truncating mutation in a Fanconi anemia type J (FA-J) patient (Levran O et al. Nat. Genet. 2005 Sep;37:931-3). This mutation has also been reported in individuals with a personal and/or family history of ovarian and/or breast cancer (Ramus SJ et al. J. Natl. Cancer Inst. 2015 Nov;107; Norquist BM et al. JAMA Oncol. 2016 Apr;2:482-90; Carter NJ et al. Gynecol Oncol, 2018 12;151:481-488; Meiss AE et al. Hum Pathol, 2018 12;82:20-31; Arvai KJ et al. Hered Cancer Clin Pract, 2019 Jul;17:19; Dorling et al. N Engl J Med. 2021 02;384:428-439). In addition to the clinical data presented in the literature, this alteration is expected to result in loss of function by premature protein truncation or nonsense-mediated mRNA decay. As such, this alteration is interpreted as a disease-causing mutation.

Department of Clinical Genetics, Copenhagen University Hospital, Rigshospitalet
Classification: Likely pathogenic for Hereditary cancer-predisposing syndrome. Last evaluated: 2025-02-04. Review status: criteria provided, single submitter. Criteria: ACMG Guidelines, 2015. Collection method: clinical testing. Allele origin: germline.
Comment: PVS1; PM3_SUP

Clinical Genetics Laboratory, Skane University Hospital Lund
Classification: Pathogenic. Last evaluated: 2024-02-26. Review status: criteria provided, single submitter. Criteria: ACMG Guidelines, 2015. Collection method: clinical testing. Allele origin: germline. Affected: yes.

Fulgent Genetics
Classification: Pathogenic for Familial cancer of breast; Fanconi anemia complementation group J. Last evaluated: 2024-02-03. Review status: criteria provided, single submitter. Criteria: ACMG Guidelines, 2015. Collection method: clinical testing. Allele origin: germline.

Baylor Genetics
Classification: Likely pathogenic for Familial cancer of breast. Last evaluated: 2024-01-23. Review status: criteria provided, single submitter. Criteria: ACMG Guidelines, 2015. Collection method: clinical testing. Allele origin: unknown.

GeneDx
Classification: Pathogenic. Last evaluated: 2023-09-29. Review status: criteria provided, single submitter. Criteria: GeneDx Variant Classification Process June 2021. Collection method: clinical testing. Allele origin: germline. Affected: yes.
Comment: Nonsense variant predicted to result in protein truncation or nonsense mediated decay in a gene for which loss of function is a known mechanism of disease; Also known as c.2541C>G; This variant is associated with the following publications: (PMID: 26315354, 28152038, 29368626, 32295079, 29922827, 28888541, 26681312, 26720728, 23644138, 30322717, 31980526, 26689913, 29625052, 34308104, 35874679, 33804961, 33471991, 29958926, 32359370, 34887416, 31341520, 16116424)

Myriad Genetics, Inc.
Classification: Pathogenic for Familial cancer of breast. Last evaluated: 2023-06-06. Review status: criteria provided, single submitter. Criteria: Myriad Autosomal Dominant, Autosomal Recessive and X-Linked Classification Criteria (2023). Collection method: clinical testing. Allele origin: unknown.
Comment: This variant is considered pathogenic. This variant creates a termination codon and is predicted to result in premature protein truncation.

NM_032043.3(BRIP1):c.2400C>G (p.Tyr800Ter)

Gene: BRIP1 (BRCA1 interacting DNA helicase 1; minus strand). Cytogenetic location: 17q23.2.
Variant type: single nucleotide variant.
Coding change: c.2400C>G on transcript NM_032043.3 (MANE Select); coding-DNA position 2400, C replaced by G.
Protein change: p.Tyr800Ter; replaces tyrosine 800 with a stop codon.
Molecular consequence: nonsense.
Genome position (GRCh38, 1-based): chr17:61,716,043, G>C on the plus strand (C>G on the coding strand, the complement: BRIP1 is on the minus strand). VCF-style: chr17-61716043-G-C. GRCh37 (hg19) VCF-style: chr17-59793404-G-C.
Other names: p.Y800*:TAC>TAG; short protein forms Y800*.
Identifiers: ClinVar variation 142343 (VCV000142343.63), dbSNP rs574552037, ClinGen allele CA294369.